The following is an entry in ClinVar:

ClinVar aggregate classification (germline): Conflicting classifications of pathogenicity. Review status: criteria provided, conflicting classifications (1 of 4 stars). 5 submissions from 4 submitters: Uncertain significance (3); Likely benign (2). Last evaluated 2026-01-25.

Conditions:
SLC26A4-related disorder. Also called: SLC26A4-related disorders; SLC26A4-related condition.
Autosomal recessive nonsyndromic hearing loss 4 (DFNB4). Also called: Deafness, autosomal recessive 4, with enlarged vestibular aqueduct; Nonsyndromic enlarged vestibular aqueduct (NSEVA); DEAFNESS, AUTOSOMAL RECESSIVE 4, WITH ENLARGED VESTIBULAR AQUEDUCT, DIGENIC; Enlarged vestibular aqueduct, digenic; Deafness, autosomal recessive 4; FOXI1-Related Pendred Syndrome. Identifiers: Orphanet 90636, MedGen C3538946, MONDO:0010933, OMIM 600791.
Pendred syndrome (PDS). Also called: THYROID DYSHORMONOGENESIS 2B; THYROID HORMONOGENESIS, GENETIC DEFECT IN, 2B; DEAFNESS WITH GOITER; GOITER-DEAFNESS SYNDROME; HYPOTHYROIDISM, CONGENITAL, DUE TO DYSHORMONOGENESIS, 2B; Pendred Syndrome (PDS). Identifiers: Orphanet 705, MedGen C0271829, MONDO:0010134, OMIM 274600.

Allele frequency attached by ClinVar (database versions not stated): TOPMed 0.00118; gnomAD exomes 0.00024; ExAC 0.00032; 1000 Genomes Project 30x 0.00078; 1000 Genomes Project 0.00080; gnomAD 0.00103 and 0.00116; ESP Exome Variant Server 0.00108.
gnomAD v4.1: 284 of 1,613,900 alleles (0.018%); highest among the groups gnomAD compares: African/African-American, 0.35%; no homozygotes.

Submissions (5):

Labcorp Genetics (formerly Invitae), Labcorp
Classification: Likely benign. Last evaluated: 2026-01-25. Review status: criteria provided, single submitter. Criteria: Invitae Variant Classification Sherloc (09022015). Collection method: clinical testing. Allele origin: germline.

PreventionGenetics, part of Exact Sciences
Classification: Likely benign for SLC26A4-related condition. Last evaluated: 2025-04-22. Review status: criteria provided, single submitter. Criteria: ACMG Guidelines, 2015. Collection method: clinical testing. Allele origin: germline.
Comment: This variant is classified as likely benign based on ACMG/AMP sequence variant interpretation guidelines (Richards et al. 2015 PMID: 25741868, with internal and published modifications).

Genome-Nilou Lab
Classification: Uncertain significance for Autosomal recessive nonsyndromic hearing loss 4. Last evaluated: 2021-09-05. Review status: criteria provided, single submitter. Criteria: ACMG Guidelines, 2015. Collection method: clinical testing. Allele origin: germline. Affected: no.

Genome-Nilou Lab
Classification: Uncertain significance for Pendred syndrome. Last evaluated: 2021-09-05. Review status: criteria provided, single submitter. Criteria: ACMG Guidelines, 2015. Collection method: clinical testing. Allele origin: germline. Affected: no.

GeneDx
Classification: Uncertain significance. Last evaluated: 2017-11-10. Review status: criteria provided, single submitter. Criteria: GeneDx Variant Classification (06012015). Collection method: clinical testing. Allele origin: germline. Affected: yes.
Comment: The A179T variant in the SLC26A4 gene has not been reported previously as a pathogenic variant, nor as a benign variant, to our knowledge. Although not present in the homozygous state, the A179T variant is observed in 38/10406 (0.37%) alleles from individuals of African background in the ExAC dataset (Lek et al., 2016). The A179T variant is a non-conservative amino acid substitution, which is likely to impact secondary protein structure as these residues differ in polarity, charge, size and/or other properties. However, this substitution occurs at a position that is not conserved, and in silico analysis predicts this variant likely does not alter the protein structure/function. We interpret A179T as a variant of uncertain significance.

NM_000441.2(SLC26A4):c.535G>A (p.Ala179Thr)

Gene: SLC26A4 (solute carrier family 26 member 4; plus strand). Cytogenetic location: 7q22.3.
Variant type: single nucleotide variant.
Coding change: c.535G>A on transcript NM_000441.2 (MANE Select); coding-DNA position 535, G replaced by A.
Protein change: p.Ala179Thr; replaces alanine 179 with threonine.
Molecular consequence: missense variant.
Genome position (GRCh38, 1-based): chr7:107,674,283, G>A. VCF-style: chr7-107674283-G-A. GRCh37 (hg19) VCF-style: chr7-107314728-G-A.
Other names: short protein forms A179T.
Identifiers: ClinVar variation 423822 (VCV000423822.17), dbSNP rs114473792, ClinGen allele CA4432504.